The following is an entry in ClinVar:

NM_000218.3(KCNQ1):c.1394-13589T>G

Genes: KCNQ1 (potassium voltage-gated channel subfamily Q member 1; plus strand), KCNQ1OT1 (KCNQ1 opposite strand/antisense transcript 1; minus strand). Cytogenetic location: 11p15.5.
Variant type: single nucleotide variant.
Coding change: c.1394-13589T>G on transcript NM_000218.3 (MANE Select); 13589 bases into the intron before coding-DNA position 1394, T replaced by G.
Molecular consequence: intron variant. On other transcripts: non-coding transcript variant (1).
Genome position (GRCh38, 1-based): chr11:2,648,372, T>G. VCF-style: chr11-2648372-T-G. GRCh37 (hg19) VCF-style: chr11-2669602-T-G.
Other names: c.1124-13589T>G (NM_001406837.1); c.1298-13589T>G (NM_001406836.1); c.854-13589T>G (NM_001406838.1); c.1013-13589T>G (NM_181798.2).
Identifiers: ClinVar variation 3389329 (VCV003389329.14).

ClinVar aggregate classification (germline): Likely benign (1 of 4 stars; one submission).

gnomAD v4.1: 11 of 398,476 alleles (0.0028%); highest among the groups gnomAD compares: Middle Eastern, 0.062%; no homozygotes.

Submission:

CeGaT Center for Human Genetics Tuebingen
Classification: Likely benign. Last evaluated: 2024-10-01. Review status: criteria provided, single submitter. Criteria: CeGaT Center For Human Genetics Tuebingen Variant Classification Criteria Version 2. Collection method: clinical testing. Allele origin: germline. Affected: yes. Observed: 1 variant allele.
Comment: KCNQ1OT1: BS2